The following is an entry in ClinVar:

ClinVar aggregate classification (germline): Uncertain significance. Review status: criteria provided, multiple submitters, no conflicts (2 of 4 stars). 2 submissions from 2 submitters: Uncertain significance (2). Last evaluated 2025-08-25.

Conditions:
3MC syndrome 1. Also called: CRANIOSYNOSTOSIS WITH LID ANOMALIES; OCULOPALATOSKELETAL SYNDROME; MICHELS SYNDROME. Identifiers: Orphanet 293843, MedGen C0796059, MONDO:0009770, OMIM 257920.
Inborn genetic diseases. Identifiers: MedGen C0950123, MeSH D030342.

Allele frequency attached by ClinVar (database versions not stated): gnomAD exomes below 0.00001; gnomAD 0.00001; TOPMed 0.00001.
gnomAD v4.1: 7 of 1,614,034 alleles (0.00043%); highest among the groups gnomAD compares: Admixed American, 0.01%; no homozygotes.

Submissions (2):

Ambry Genetics
Classification: Uncertain significance for Inborn genetic diseases. Last evaluated: 2025-08-25. Review status: criteria provided, single submitter. Criteria: Ambry Variant Classification Scheme 2023. Collection method: clinical testing. Allele origin: germline.

Labcorp Genetics (formerly Invitae), Labcorp
Classification: Uncertain significance for 3MC syndrome 1. Last evaluated: 2019-12-04. Review status: criteria provided, single submitter. Criteria: Invitae Variant Classification Sherloc (09022015). Collection method: clinical testing. Allele origin: germline.
Comment: In summary, the available evidence is currently insufficient to determine the role of this variant in disease. Therefore, it has been classified as a Variant of Uncertain Significance. Algorithms developed to predict the effect of missense changes on protein structure and function are either unavailable or do not agree on the potential impact of this missense change (SIFT: "Deleterious"; PolyPhen-2: "Benign"; Align-GVGD: "Class C0"). This variant has not been reported in the literature in individuals with MASP1-related conditions. This variant is not present in population databases (ExAC no frequency). This sequence change replaces threonine with arginine at codon 409 of the MASP1 protein (p.Thr409Arg). The threonine residue is moderately conserved and there is a moderate physicochemical difference between threonine and arginine.

NM_139125.4(MASP1):c.1226C>G (p.Thr409Arg)

Gene: MASP1 (MBL associated serine protease 1; minus strand). Cytogenetic location: 3q27.3.
Variant type: single nucleotide variant.
Coding change: c.1226C>G on transcript NM_139125.4 (MANE Select); coding-DNA position 1226, C replaced by G.
Protein change: p.Thr409Arg; replaces threonine 409 with arginine.
Molecular consequence: missense variant. On other transcripts: non-coding transcript variant (1).
Genome position (GRCh38, 1-based): chr3:187,243,486, G>C on the plus strand (C>G on the coding strand, the complement: MASP1 is on the minus strand). VCF-style: chr3-187243486-G-C. GRCh37 (hg19) VCF-style: chr3-186961274-G-C.
Other names: c.1226C>G, p.Thr409Arg (NM_001879.6); short protein forms T409R.
Identifiers: ClinVar variation 850576 (VCV000850576.6), dbSNP rs1294798412, ClinGen allele CA355738692.